The following is an entry in ClinVar:

ClinVar aggregate classification (germline): Uncertain significance (1 of 4 stars; one submission).

Conditions:
Cardiovascular phenotype. Identifiers: MedGen CN230736.

Submission:

Ambry Genetics
Classification: Uncertain significance for Cardiovascular phenotype. Last evaluated: 2026-05-23. Review status: criteria provided, single submitter. Criteria: Ambry Variant Classification Scheme 2023. Collection method: clinical testing. Allele origin: germline.
Comment: The p.I108L variant (also known as c.322A>C), located in coding exon 3 of the LDLRAP1 gene, results from an A to C substitution at nucleotide position 322. The isoleucine at codon 108 is replaced by leucine, an amino acid with highly similar properties. This amino acid position is conserved. In addition, this alteration is predicted to be tolerated by in silico analysis. Based on the available evidence, the clinical significance of this variant remains unclear.

NM_015627.3(LDLRAP1):c.322A>C (p.Ile108Leu)

Gene: LDLRAP1 (low density lipoprotein receptor adaptor protein 1; plus strand). Cytogenetic location: 1p36.11.
Variant type: single nucleotide variant.
Coding change: c.322A>C on transcript NM_015627.3 (MANE Select); coding-DNA position 322, A replaced by C.
Protein change: p.Ile108Leu; replaces isoleucine 108 with leucine.
Molecular consequence: missense variant.
Genome position (GRCh38, 1-based): chr1:25,554,950, A>C. VCF-style: chr1-25554950-A-C. GRCh37 (hg19) VCF-style: chr1-25881441-A-C.
Other names: short protein forms I108L.
Identifiers: ClinVar variation 4859179 (VCV004859179.1).
Genomic context (GRCh38, chr1:25,554,950, plus strand): 5'-GTGACTCTGAAGGTGTCGCCACGGGGAATTATCCTGACAGACAACCTCACCAACCAGCTC[A>C]TTGAGAACGTGTCCATATACAGGTACGCTCAGCATGGGGTTGGCCCATCCACTCTGCCAC-3'
Protein context (NP_056442.2, residues 98-118): ILTDNLTNQL[Ile108Leu]ENVSIYRISY